The following is an entry in ClinVar:

ClinVar aggregate classification (germline): Uncertain significance. Review status: criteria provided, multiple submitters, no conflicts (2 of 4 stars). 2 submissions from 2 submitters: Uncertain significance (2). Last evaluated 2024-08-11.

Conditions:
Inborn genetic diseases. Identifiers: MedGen C0950123, MeSH D030342.

Allele frequency attached by ClinVar (database versions not stated): gnomAD 0.00001; TOPMed 0.00001; gnomAD exomes 0.00003 and 0.00006; ESP Exome Variant Server 0.00015.
gnomAD v4.1: 88 of 1,613,472 alleles (0.0055%); highest among the groups gnomAD compares: Non-Finnish European, 0.007%; no homozygotes.

Submissions (2):

Ambry Genetics
Classification: Uncertain significance for Inborn genetic diseases. Last evaluated: 2024-08-11. Review status: criteria provided, single submitter. Criteria: Ambry Variant Classification Scheme 2023. Collection method: clinical testing. Allele origin: germline.

Labcorp Genetics (formerly Invitae), Labcorp
Classification: Uncertain significance. Last evaluated: 2022-08-09. Review status: criteria provided, single submitter. Criteria: Invitae Variant Classification Sherloc (09022015). Collection method: clinical testing. Allele origin: germline.
Comment: This sequence change replaces aspartic acid, which is acidic and polar, with valine, which is neutral and non-polar, at codon 135 of the PNPT1 protein (p.Asp135Val). This variant is present in population databases (rs148144235, gnomAD 0.006%). This variant has not been reported in the literature in individuals affected with PNPT1-related conditions. ClinVar contains an entry for this variant (Variation ID: 1433700). Algorithms developed to predict the effect of missense changes on protein structure and function (SIFT, PolyPhen-2, Align-GVGD) all suggest that this variant is likely to be disruptive. Algorithms developed to predict the effect of sequence changes on RNA splicing suggest that this variant may disrupt the consensus splice site. In summary, the available evidence is currently insufficient to determine the role of this variant in disease. Therefore, it has been classified as a Variant of Uncertain Significance.

NM_033109.5(PNPT1):c.404A>T (p.Asp135Val)

Gene: PNPT1 (polyribonucleotide nucleotidyltransferase 1; minus strand). Cytogenetic location: 2p16.1.
Variant type: single nucleotide variant.
Coding change: c.404A>T on transcript NM_033109.5 (MANE Select); coding-DNA position 404, A replaced by T.
Protein change: p.Asp135Val; replaces aspartic acid 135 with valine.
Molecular consequence: missense variant.
Genome position (GRCh38, 1-based): chr2:55,683,834, T>A on the plus strand (A>T on the coding strand, the complement: PNPT1 is on the minus strand). VCF-style: chr2-55683834-T-A. GRCh37 (hg19) VCF-style: chr2-55910969-T-A.
Other names: c.404A>T (NM_033109.3); short protein forms D135V.
Identifiers: ClinVar variation 1433700 (VCV001433700.6), dbSNP rs148144235, ClinGen allele CA47665770.